The following is an entry in ClinVar:

ClinVar aggregate classification (germline): Benign/Likely benign. Review status: criteria provided, multiple submitters, no conflicts (2 of 4 stars). 7 submissions from 7 submitters: Benign (2); Likely benign (5). Last evaluated 2026-10-01.

Conditions:
Inborn genetic diseases. Identifiers: MedGen C0950123, MeSH D030342.
Intellectual disability-microcephaly-strabismus-behavioral abnormalities syndrome. Also called: White-Sutton Syndrome. Identifiers: Orphanet 468678, MedGen C4225351, MONDO:0014606, OMIM 616364.

Allele frequency attached by ClinVar (database versions not stated): gnomAD exomes 0.00048; ExAC 0.00059; 1000 Genomes Project 0.00100; 1000 Genomes Project 30x 0.00109; ESP Exome Variant Server 0.00177; gnomAD 0.00188 and 0.00205; TOPMed 0.00202.
gnomAD v4.1: 559 of 1,612,518 alleles (0.035%); highest among the groups gnomAD compares: African/African-American, 0.61%; 1 homozygote.

Submissions (7):

CeGaT Center for Human Genetics Tuebingen
Classification: Likely benign. Last evaluated: 2026-10-01. Review status: criteria provided, single submitter. Criteria: CeGaT Center For Human Genetics Tuebingen Variant Classification Criteria Version 2. Collection method: clinical testing. Allele origin: germline. Affected: yes. Observed: 3 variant alleles.
Comment: POGZ: BP4, BP7

Blueprint Genetics
Classification: Likely benign. Last evaluated: 2024-07-09. Review status: criteria provided, single submitter. Criteria: ACMG Guidelines, 2015. Collection method: clinical testing. Allele origin: germline.

Genome-Nilou Lab
Classification: Likely benign for Intellectual disability-microcephaly-strabismus-behavioral abnormalities syndrome. Last evaluated: 2023-04-11. Review status: criteria provided, single submitter. Criteria: ACMG Guidelines, 2015. Collection method: clinical testing. Allele origin: germline. Affected: no.

Fulgent Genetics
Classification: Likely benign for Intellectual disability-microcephaly-strabismus-behavioral abnormalities syndrome. Last evaluated: 2021-08-13. Review status: criteria provided, single submitter. Criteria: ACMG Guidelines, 2015. Collection method: clinical testing. Allele origin: unknown.

Labcorp Genetics (formerly Invitae), Labcorp
Classification: Benign. Last evaluated: 2019-12-31. Review status: criteria provided, single submitter. Criteria: Invitae Variant Classification Sherloc (09022015). Collection method: clinical testing. Allele origin: germline.

GeneDx
Classification: Benign. Last evaluated: 2019-10-08. Review status: criteria provided, single submitter. Criteria: GeneDx Variant Classification Process June 2021. Collection method: clinical testing. Allele origin: germline. Affected: yes.

Ambry Genetics
Classification: Likely benign for Inborn genetic diseases. Last evaluated: 2016-07-29. Review status: criteria provided, single submitter. Criteria: Ambry Variant Classification Scheme 2023. Collection method: clinical testing. Allele origin: germline.

NM_015100.4(POGZ):c.1788A>G (p.Gln596=)

Gene: POGZ (pogo transposable element derived with ZNF domain; minus strand). Cytogenetic location: 1q21.3.
Variant type: single nucleotide variant.
Coding change: c.1788A>G on transcript NM_015100.4 (MANE Select); coding-DNA position 1788, A replaced by G.
Protein change: p.Gln596=; no amino-acid change (glutamine 596 retained).
Molecular consequence: synonymous variant.
Genome position (GRCh38, 1-based): chr1:151,411,763, T>C on the plus strand (A>G on the coding strand, the complement: POGZ is on the minus strand). VCF-style: chr1-151411763-T-C. GRCh37 (hg19) VCF-style: chr1-151384239-T-C.
Other names: c.1761A>G, p.Gln587= (NM_001194937.2); c.1602A>G, p.Gln534= (NM_001194938.2); c.1503A>G, p.Gln501= (NM_145796.4); c.1629A>G, p.Gln543= (NM_207171.2).
Identifiers: ClinVar variation 588119 (VCV000588119.35), dbSNP rs144945886, ClinGen allele CA1091332.